The following is an entry in ClinVar:

NM_001330691.3(CEP78):c.307G>C (p.Asp103His)

Gene: CEP78 (centrosomal protein 78; plus strand). Cytogenetic location: 9q21.2.
Variant type: single nucleotide variant.
Coding change: c.307G>C on transcript NM_001330691.3 (MANE Select); coding-DNA position 307, G replaced by C.
Protein change: p.Asp103His; replaces aspartic acid 103 with histidine.
Molecular consequence: missense variant.
Genome position (GRCh38, 1-based): chr9:78,240,076, G>C. VCF-style: chr9-78240076-G-C. GRCh37 (hg19) VCF-style: chr9-80854992-G-C.
Other names: c.307G>C, p.Asp103His (NM_001098802.3, NM_001330693.3, NM_001330694.2 and 4 more transcripts); short protein forms D103H.
Identifiers: ClinVar variation 1518202 (VCV001518202.8), dbSNP rs1474383291, ClinGen allele CA373999705.

ClinVar aggregate classification (germline): Uncertain significance (1 of 4 stars; one submission).

Submission:

Labcorp Genetics (formerly Invitae), Labcorp
Classification: Uncertain significance. Last evaluated: 2021-03-22. Review status: criteria provided, single submitter. Criteria: Invitae Variant Classification Sherloc (09022015). Collection method: clinical testing. Allele origin: germline.
Comment: This sequence change replaces aspartic acid with histidine at codon 103 of the CEP78 protein (p.Asp103His). The aspartic acid residue is moderately conserved and there is a moderate physicochemical difference between aspartic acid and histidine. This variant is not present in population databases (ExAC no frequency). This variant has not been reported in the literature in individuals with CEP78-related conditions. Algorithms developed to predict the effect of missense changes on protein structure and function are either unavailable or do not agree on the potential impact of this missense change (SIFT: "Tolerated"; PolyPhen-2: "Probably Damaging"; Align-GVGD: "Class C0"). In summary, the available evidence is currently insufficient to determine the role of this variant in disease. Therefore, it has been classified as a Variant of Uncertain Significance.